The following is an entry in ClinVar:

NM_014244.5(ADAMTS2):c.584A>G (p.Glu195Gly)

Gene: ADAMTS2 (ADAM metallopeptidase with thrombospondin type 1 motif 2; minus strand). Cytogenetic location: 5q35.3.
Variant type: single nucleotide variant.
Coding change: c.584A>G on transcript NM_014244.5 (MANE Select); coding-DNA position 584, A replaced by G.
Protein change: p.Glu195Gly; replaces glutamic acid 195 with glycine.
Molecular consequence: missense variant.
Genome position (GRCh38, 1-based): chr5:179,273,015, T>C on the plus strand (A>G on the coding strand, the complement: ADAMTS2 is on the minus strand). VCF-style: chr5-179273015-T-C. GRCh37 (hg19) VCF-style: chr5-178700016-T-C.
Other names: c.584A>G, p.Glu195Gly (NM_021599.4); short protein forms E195G.
Identifiers: ClinVar variation 2307966 (VCV002307966.3), dbSNP rs749837588, ClinGen allele CA3596264.

ClinVar aggregate classification (germline): Uncertain significance. Review status: criteria provided, multiple submitters, no conflicts (2 of 4 stars). 2 submissions from 2 submitters: Uncertain significance (2). Last evaluated 2025-06-02.

Conditions:
Inborn genetic diseases. Identifiers: MedGen C0950123, MeSH D030342.

Allele frequency attached by ClinVar (database versions not stated): gnomAD exomes below 0.00001; TOPMed below 0.00001; gnomAD 0.00001; ExAC 0.00002.
gnomAD v4.1: 4 of 1,613,202 alleles (0.00025%); highest among the groups gnomAD compares: Admixed American, 0.005%; no homozygotes.

Submissions (2):

Women's Health and Genetics/Laboratory Corporation of America, LabCorp
Classification: Uncertain significance. Last evaluated: 2025-06-02. Review status: criteria provided, single submitter. Criteria: LabCorp Variant Classification Summary - May 2015. Collection method: clinical testing. Allele origin: germline.
Comment: Variant summary: ADAMTS2 c.584A>G (p.Glu195Gly) results in a non-conservative amino acid change in the encoded protein sequence. Algorithms developed to predict the effect of missense changes on protein structure and function are either unavailable or do not agree on the potential impact of this missense change. The variant allele was found at a frequency of 8e-06 in 251224 control chromosomes. The available data on variant occurrences in the general population are insufficient to allow any conclusion about variant significance. To our knowledge, no occurrence of c.584A>G in individuals affected with Ehlers-Danlos syndrome, dermatosparaxis type and no experimental evidence demonstrating its impact on protein function have been reported. ClinVar contains an entry for this variant (Variation ID: 2307966). Based on the evidence outlined above, the variant was classified as uncertain significance.

Ambry Genetics
Classification: Uncertain significance for Inborn genetic diseases. Last evaluated: 2022-08-17. Review status: criteria provided, single submitter. Criteria: Ambry Variant Classification Scheme 2023. Collection method: clinical testing. Allele origin: germline.